The following is an entry in ClinVar:

ClinVar aggregate classification (germline): Pathogenic/Likely pathogenic. Review status: criteria provided, multiple submitters, no conflicts (2 of 4 stars). 3 submissions from 3 submitters: Pathogenic (2); Likely pathogenic (1). Last evaluated 2025-07-02.

Conditions:
Autosomal recessive spinocerebellar ataxia 10. Identifiers: Orphanet 284289, MedGen C3150998, MONDO:0013392, OMIM 613728.

Submissions (3):

Myriad Genetics, Inc.
Classification: Pathogenic for Autosomal recessive spinocerebellar ataxia 10. Last evaluated: 2025-07-02. Review status: criteria provided, single submitter. Criteria: Myriad Autosomal Dominant, Autosomal Recessive and X-Linked Classification Criteria (2023). Collection method: clinical testing. Allele origin: unknown.
Comment: NM_018075.3(ANO10):c.243delA(A83Qfs*7) is expected to be pathogenic in the context of spinocerebellar ataxia, ANO10-related. This variant is predicted to lead to an abnormal or absent protein product due to the creation of a premature termination codon in ANO10, a gene where loss-of-function variants are known to be pathogenic. Please note: this variant was assessed in the context of healthy population screening.

Labcorp Genetics (formerly Invitae), Labcorp
Classification: Pathogenic. Last evaluated: 2023-05-26. Review status: criteria provided, single submitter. Criteria: Invitae Variant Classification Sherloc (09022015). Collection method: clinical testing. Allele origin: germline.
Comment: For these reasons, this variant has been classified as Pathogenic. This variant has not been reported in the literature in individuals affected with ANO10-related conditions. This variant is not present in population databases (gnomAD no frequency). This sequence change creates a premature translational stop signal (p.Ala83Glnfs*7) in the ANO10 gene. It is expected to result in an absent or disrupted protein product. Loss-of-function variants in ANO10 are known to be pathogenic (PMID: 25089919).

Juno Genomics, Hangzhou Juno Genomics, Inc
Classification: Likely pathogenic for Autosomal recessive spinocerebellar ataxia 10. Review status: criteria provided, single submitter. Criteria: ACMG Guidelines, 2015. Collection method: clinical testing. Allele origin: germline.
Comment: Null variant in a gene where loss of function (LOF) is a known mechanism of disease.;Absent from controls (or at extremely low frequency if recessive) in Genome Aggregation Database.

Literature cited by the submitters: PubMed 25089919 (cited by Labcorp Genetics (formerly Invitae), Labcorp).

NM_018075.5(ANO10):c.243del (p.Ala83fs)

Gene: ANO10 (anoctamin 10; minus strand). Cytogenetic location: 3p21.33.
Variant type: Deletion.
Coding change: c.243del on transcript NM_018075.5 (MANE Select); coding-DNA position 243, one base deleted (A; older notation c.243delA).
Protein change: p.Ala83fs; shifts the reading frame from alanine 83.
Molecular consequence: frameshift variant. On other transcripts: intron variant (4).
Genome position (GRCh38, 1-based): chr3:43,600,478, T deleted on the plus strand (A on the coding strand, the reverse complement: ANO10 is on the minus strand). VCF-style (leftmost placement, unchanged base first): chr3-43600477-CT-C. GRCh37 (hg19) VCF-style: chr3-43641969-CT-C.
Other names: c.243del, p.Ala83fs (NM_001204831.3, NM_001204834.3, NM_001346463.2 and 4 more transcripts); c.140-1812del (NM_001346469.2, NM_001204832.3, NM_001346466.2); c.139+5236del (NM_001204833.3); short protein forms A83fs.
Identifiers: ClinVar variation 2726709 (VCV002726709.6), dbSNP rs2529786780, ClinGen allele CA2697550850.
Genomic context (GRCh38, chr3:43,600,477, plus strand): 5'-ATGTGAAGGCTCTCATGGTGTTATCATTGCACTCTTTTACCAATCCCACTGCTTCTGCCC[CT>C]AGTAACATTCTAATCTTGGAGGCACCAACAAGATATAAGTTCTGATTTTCTAGTGTTTCT-3'